The following is an entry in ClinVar:

ClinVar aggregate classification (germline): Likely benign (1 of 4 stars; one submission).

Conditions:
IFT70B-related disorder. Also called: IFT70B-related condition.

gnomAD v4.1: 111 of 1,590,358 alleles (0.007%); highest among the groups gnomAD compares: East Asian, 0.18%; no homozygotes.

Submission:

PreventionGenetics, part of Exact Sciences
Classification: Likely benign for IFT70B-related condition. Last evaluated: 2026-02-06. Review status: criteria provided, single submitter. Criteria: ACMG Guidelines, 2015. Collection method: clinical testing. Allele origin: germline.
Comment: This variant is classified as likely benign based on ACMG/AMP sequence variant interpretation guidelines (Richards et al. 2015 PMID: 25741868, with internal and published modifications).

NM_152517.3(IFT70B):c.112C>A (p.Leu38Met)

Gene: IFT70B (intraflagellar transport 70B; minus strand). Cytogenetic location: 2q31.2.
Variant type: single nucleotide variant.
Coding change: c.112C>A on transcript NM_152517.3 (MANE Select); coding-DNA position 112, C replaced by A.
Protein change: p.Leu38Met; replaces leucine 38 with methionine.
Molecular consequence: missense variant.
Genome position (GRCh38, 1-based): chr2:177,552,652, G>T on the plus strand (C>A on the coding strand, the complement: IFT70B is on the minus strand). VCF-style: chr2-177552652-G-T. GRCh37 (hg19) VCF-style: chr2-178417380-G-T.
Other names: short protein forms L38M.
Identifiers: ClinVar variation 4980587 (VCV004980587.1).